The following is an entry in ClinVar:

NM_001370259.2(MEN1):c.329G>C (p.Gly110Ala)

Gene: MEN1 (menin 1; minus strand). Cytogenetic location: 11q13.1.
Variant type: single nucleotide variant.
Coding change: c.329G>C on transcript NM_001370259.2 (MANE Select); coding-DNA position 329, G replaced by C.
Protein change: p.Gly110Ala; replaces glycine 110 with alanine.
Molecular consequence: missense variant.
Genome position (GRCh38, 1-based): chr11:64,809,781, C>G on the plus strand (G>C on the coding strand, the complement: MEN1 is on the minus strand). VCF-style: chr11-64809781-C-G. GRCh37 (hg19) VCF-style: chr11-64577253-C-G.
Other names: c.329G>C, p.Gly110Ala (NM_001370262.2, NM_001370263.2, NM_130799.3 and 9 more transcripts); short protein forms G110A.
Identifiers: ClinVar variation 584528 (VCV000584528.16), dbSNP rs1389398299, ClinGen allele CA381187396.

ClinVar aggregate classification (germline): Uncertain significance. Review status: criteria provided, multiple submitters, no conflicts (2 of 4 stars). 4 submissions from 4 submitters: Uncertain significance (4). Last evaluated 2025-10-03.

Conditions:
Hereditary cancer-predisposing syndrome. Also called: Neoplastic Syndromes, Hereditary; Hereditary Cancer Syndrome; Tumor predisposition; Hereditary neoplastic syndrome. Identifiers: Orphanet 140162, MedGen C0027672, MeSH D009386, MONDO:0015356.
Multiple endocrine neoplasia, type 1 (MEN1). Also called: MEN I; WERMER SYNDROME; Endocrine adenomatosis multiple; MEN 1; MEA I. Identifiers: Orphanet 652, MedGen C0025267, MeSH D018761, MONDO:0007540, OMIM 131100.

Allele frequency attached by ClinVar (database versions not stated): TOPMed below 0.00001.
gnomAD v4.1: 1 of 1,614,046 alleles (0.000062%); no homozygotes.

Submissions (4):

Ambry Genetics
Classification: Uncertain significance for Hereditary cancer-predisposing syndrome. Last evaluated: 2025-10-03. Review status: criteria provided, single submitter. Criteria: Ambry Variant Classification Scheme 2023. Collection method: clinical testing. Allele origin: germline.
Comment: The p.G110A variant (also known as c.329G>C), located in coding exon 1 of the MEN1 gene, results from a G to C substitution at nucleotide position 329. The glycine at codon 110 is replaced by alanine, an amino acid with similar properties. This amino acid position is not well conserved in available vertebrate species. In addition, the in silico prediction for this alteration is inconclusive. Based on the available evidence, the clinical significance of this variant remains unclear.

Labcorp Genetics (formerly Invitae), Labcorp
Classification: Uncertain significance for Multiple endocrine neoplasia, type 1. Last evaluated: 2025-02-04. Review status: criteria provided, single submitter. Criteria: Invitae Variant Classification Sherloc (09022015). Collection method: clinical testing. Allele origin: germline.
Comment: This sequence change replaces glycine, which is neutral and non-polar, with alanine, which is neutral and non-polar, at codon 110 of the MEN1 protein (p.Gly110Ala). This variant is not present in population databases (gnomAD no frequency). This missense change has been observed in individual(s) with personal and/or family history of cancer (PMID: 31159747). ClinVar contains an entry for this variant (Variation ID: 584528). Invitae Evidence Modeling of protein sequence and biophysical properties (such as structural, functional, and spatial information, amino acid conservation, physicochemical variation, residue mobility, and thermodynamic stability) indicates that this missense variant is not expected to disrupt MEN1 protein function with a negative predictive value of 80%. In summary, the available evidence is currently insufficient to determine the role of this variant in disease. Therefore, it has been classified as a Variant of Uncertain Significance.

All of Us Research Program, National Institutes of Health
Classification: Uncertain significance for Multiple endocrine neoplasia, type 1. Last evaluated: 2024-07-20. Review status: criteria provided, single submitter. Criteria: ACMG Guidelines, 2015. Collection method: clinical testing. Allele origin: germline. Inheritance: Autosomal dominant inheritance. Observed: 1 variant allele, 1 heterozygote.
Comment: This missense variant replaces glycine with alanine at codon 110 of the MEN1 protein. Computational prediction suggests that this variant may not impact protein structure and function. To our knowledge, functional studies have not been reported for this variant. This variant has been reported in one family suspected to be affected with hereditary cancer (PMID: 31159747). This variant has not been identified in the general population by the Genome Aggregation Database (gnomAD). The available evidence is insufficient to determine the role of this variant in disease conclusively. Therefore, this variant is classified as a Variant of Uncertain Significance.

This study involves interpretation of variants in research participants for the purpose of population health screening. Participant phenotype was not available at the time of variant classification. Additional details can be found in publication PMID: 35346344, PMCID: PMC8962531

GeneKor MSA
Classification: Uncertain significance for Hereditary cancer-predisposing syndrome. Last evaluated: 2018-08-01. Review status: criteria provided, single submitter. Criteria: ACMG Guidelines, 2015. Collection method: clinical testing. Allele origin: germline. Affected: yes.

Literature cited by the submitters: PubMed 31159747 (cited by 3 submitters).